The following is an entry in ClinVar:

ClinVar aggregate classification (germline): Pathogenic/Likely pathogenic. Review status: criteria provided, multiple submitters, no conflicts (2 of 4 stars). 3 submissions from 3 submitters: Pathogenic (2); Likely pathogenic (1). Last evaluated 2024-04-03.

Conditions:
Alport syndrome. Also called: Hemorrhagic familial nephritis; Hemorrhagic hereditary nephritis; Congenital hereditary hematuria. Identifiers: Orphanet 63, MedGen C1567741, MONDO:0018965.
Autosomal recessive Alport syndrome (ATS2). Also called: ALPORT SYNDROME 2, AUTOSOMAL RECESSIVE; Alport syndrome type 2; COL4A4 Alport Syndrome and Thin Basement Membrane Nephropathy; COL4A3-Related Nephropathy. Identifiers: Orphanet 63, Orphanet 88919, MedGen C4746745, MONDO:0008762, OMIM 203780.

Submissions (3):

Natera, Inc.
Classification: Pathogenic for Alport syndrome. Last evaluated: 2024-04-03. Review status: criteria provided, single submitter. Criteria: Natera Variant Classification Schema (03/2026). Collection method: clinical testing. Allele origin: germline.
Comment: The c.1213G>T variant in COL4A3 is a nonsense variant predicted to introduce a stop codon at amino acid 405. This variant is expected to result in nonsense mediated decay, truncation, or a dysfunctional protein product. This variant is rare in the general population with a frequency below the threshold expected for the associated phenotype(s). This variant has been observed in one or more individuals affected with the associated recessive disease, as either homozygous or compound heterozygous with a second variant (PMID: 33368894). Given the available evidence, this variant is classified as Pathogenic.

Labcorp Genetics (formerly Invitae), Labcorp
Classification: Pathogenic. Last evaluated: 2023-11-13. Review status: criteria provided, single submitter. Criteria: Invitae Variant Classification Sherloc (09022015). Collection method: clinical testing. Allele origin: germline.
Comment: This sequence change creates a premature translational stop signal (p.Glu405*) in the COL4A3 gene. It is expected to result in an absent or disrupted protein product. Loss-of-function variants in COL4A3 are known to be pathogenic (PMID: 8956999, 24854265, 26809805, 27281700). This variant is not present in population databases (gnomAD no frequency). This premature translational stop signal has been observed in individual(s) with COL4A3-related conditions (PMID: 35497790). ClinVar contains an entry for this variant (Variation ID: 984035). For these reasons, this variant has been classified as Pathogenic.

Myriad Genetics, Inc.
Classification: Likely pathogenic for Autosomal recessive Alport syndrome. Last evaluated: 2019-12-29. Review status: criteria provided, single submitter. Criteria: Myriad Women's Health Autosomal Recessive and X-Linked Classification Criteria (2019). Collection method: clinical testing. Allele origin: unknown.
Comment: NM_000091.4(COL4A3):c.1213G>T(E405*) is expected to be pathogenic in the context of COL4A3-related Alport syndrome. This variant is predicted to lead to an abnormal or absent protein product due to the creation of a premature termination codon in COL4A3, a gene where loss-of-function variants are known to be pathogenic. Please note: this variant was assessed in the context of healthy population screening.

Literature cited by the submitters: PubMed 33368894 (cited by Natera, Inc.); PubMed 8956999 (cited by Labcorp Genetics (formerly Invitae), Labcorp); PubMed 24854265 (cited by Labcorp Genetics (formerly Invitae), Labcorp); PubMed 26809805 (cited by Labcorp Genetics (formerly Invitae), Labcorp); PubMed 27281700 (cited by Labcorp Genetics (formerly Invitae), Labcorp); PubMed 35497790 (cited by Labcorp Genetics (formerly Invitae), Labcorp).

NM_000091.5(COL4A3):c.1213G>T (p.Glu405Ter)

Genes: MFF-DT (MFF divergent transcript; minus strand), COL4A3 (collagen type IV alpha 3 chain; plus strand). Cytogenetic location: 2q36.3.
Variant type: single nucleotide variant.
Coding change: c.1213G>T on transcript NM_000091.5 (MANE Select); coding-DNA position 1213, G replaced by T.
Protein change: p.Glu405Ter; replaces glutamic acid 405 with a stop codon.
Molecular consequence: nonsense.
Genome position (GRCh38, 1-based): chr2:227,263,842, G>T. VCF-style: chr2-227263842-G-T. GRCh37 (hg19) VCF-style: chr2-228128558-G-T.
Other names: c.1213G>T (NM_000091.4); short protein forms E405*.
Identifiers: ClinVar variation 984035 (VCV000984035.7), dbSNP rs2070736908, ClinGen allele CA350868804.